The following is an entry in ClinVar:

NM_001382391.1(CSPP1):c.-54_-51del

Gene: CSPP1 (centrosome and spindle pole associated protein 1; plus strand). Cytogenetic location: 8q13.1.
Variant type: Deletion.
Coding change: c.-54_-51del on transcript NM_001382391.1 (MANE Select); 54 bases upstream of the start codon through 51 bases upstream of the start codon, 4 bases deleted (GAGT; older notation c.-54_-51delGAGT).
Molecular consequence: 5 prime UTR variant. On other transcripts: splice donor variant (6).
Genome position (GRCh38, 1-based): chr8:67,064,495-67,064,498, GAGT deleted; deleting any 4 consecutive bases within chr8:67,064,494-67,064,498 gives the same sequence; the c. name uses the placement nearest the transcript's 3' end. VCF-style (leftmost placement, unchanged base first): chr8-67064493-CTGAG-C. GRCh37 (hg19) VCF-style: chr8-67976728-CTGAG-C.
Other names: c.-54_-51del (NM_001363131.2, NM_001363132.2, NM_001363133.2); c.97_98+2del (NM_001364869.1, NM_024790.7, NM_001438331.1 and 3 more transcripts).
Identifiers: ClinVar variation 2420528 (VCV002420528.7), dbSNP rs1563460197, ClinGen allele CA582510407.
Genomic context (GRCh38, chr8:67,064,493, plus strand): 5'-CTTCGGTCCGCGACGATCCTCTAGAGCACTGTGTGTCTCCCCGGACGCGAGCCCGCTCCC[CTGAG>C]TAAGAGTCAGCCAGCCGCGGATGGGGAGCGTGAGTGGCGAGGTGTGGCCTGGGGTGGTGT-3'

ClinVar aggregate classification (germline): Likely pathogenic. Review status: criteria provided, multiple submitters, no conflicts (2 of 4 stars). 2 submissions from 2 submitters: Likely pathogenic (2). Last evaluated 2025-12-24.

Conditions:
Joubert syndrome 21 (JBTS21). Identifiers: MedGen C3810212, MONDO:0014288, OMIM 615636.
CSPP1-related disorder. Also called: CSPP1-related condition.

Submissions (2):

Labcorp Genetics (formerly Invitae), Labcorp
Classification: Likely pathogenic for Joubert syndrome 21. Last evaluated: 2025-12-24. Review status: criteria provided, single submitter. Criteria: Invitae Variant Classification Sherloc (09022015). Collection method: clinical testing. Allele origin: germline.
Comment: This variant results in the deletion of part of exon 1 (c.97_98+2del) of the CSPP1 gene. It is expected to disrupt RNA splicing. Variants that disrupt the donor or acceptor splice site typically lead to a loss of protein function (PMID: 16199547), and loss-of-function variants in CSPP1 are known to be pathogenic (PMID: 24360807, 24360808). This variant is present in population databases (no rsID available, gnomAD 0.003%). This variant has not been reported in the literature in individuals affected with CSPP1-related conditions. ClinVar contains an entry for this variant (Variation ID: 2420528). In summary, the currently available evidence indicates that the variant is pathogenic, but additional data are needed to prove that conclusively. Therefore, this variant has been classified as Likely Pathogenic.

Blueprint Genetics
Classification: Likely pathogenic for CSPP1-related disorders. Last evaluated: 2023-12-04. Review status: criteria provided, single submitter. Criteria: ACMG Guidelines, 2015. Collection method: clinical testing. Allele origin: germline. Affected: yes. Observed: 2 variant alleles.

Literature cited by the submitters: PubMed 16199547 (cited by Labcorp Genetics (formerly Invitae), Labcorp); PubMed 24360807 (cited by Labcorp Genetics (formerly Invitae), Labcorp); PubMed 24360808 (cited by Labcorp Genetics (formerly Invitae), Labcorp).